The following is an entry in ClinVar:

ClinVar aggregate classification (germline): Uncertain significance (1 of 4 stars; one submission).

Conditions:
Werner syndrome (WRN). Identifiers: Orphanet 902, MedGen C0043119, MONDO:0010196, OMIM 277700.

Submission:

Labcorp Genetics (formerly Invitae), Labcorp
Classification: Uncertain significance for Werner syndrome. Last evaluated: 2024-04-22. Review status: criteria provided, single submitter. Criteria: Invitae Variant Classification Sherloc (09022015). Collection method: clinical testing. Allele origin: germline.
Comment: This sequence change replaces glutamic acid with alanine at codon 563 of the WRN protein (p.Glu563Ala). The glutamic acid residue is moderately conserved and there is a moderate physicochemical difference between glutamic acid and alanine. This variant is not present in population databases (gnomAD no frequency). This variant has not been reported in the literature in individuals affected with WRN-related conditions. ClinVar contains an entry for this variant (Variation ID: 1045312). An algorithm developed to predict the effect of missense changes on protein structure and function (PolyPhen-2) suggests that this variant is likely to be disruptive. In summary, the available evidence is currently insufficient to determine the role of this variant in disease. Therefore, it has been classified as a Variant of Uncertain Significance.

NM_000553.6(WRN):c.1688A>C (p.Glu563Ala)

Gene: WRN (WRN RecQ like helicase; plus strand). Cytogenetic location: 8p12.
Variant type: single nucleotide variant.
Coding change: c.1688A>C on transcript NM_000553.6 (MANE Select); coding-DNA position 1688, A replaced by C.
Protein change: p.Glu563Ala; replaces glutamic acid 563 with alanine.
Molecular consequence: missense variant.
Genome position (GRCh38, 1-based): chr8:31,090,500, A>C. VCF-style: chr8-31090500-A-C. GRCh37 (hg19) VCF-style: chr8-30948016-A-C.
Other names: short protein forms E563A.
Identifiers: ClinVar variation 1045312 (VCV001045312.5), dbSNP rs1813704488, ClinGen allele CA370926963.
Genomic context (GRCh38, chr8:31,090,500, plus strand): 5'-TAGCTTTTTGCTTTTCACCTTCAAGAGTTCAGTGGAAAGTGATTCATTCAGTATTAGAAG[A>C]AAGAAGAGATAATGTTGCTGTCATGGCAACTGGTAAGTTGTACTTAAGCAAAACCTAATC-3'
Protein context (NP_000544.2, residues 553-573): QWKVIHSVLE[Glu563Ala]RRDNVAVMAT